The following continues an entry in ClinVar:

NM_002834.5(PTPN11):c.188A>G (p.Tyr63Cys)

Gene: PTPN11. ClinVar aggregate classification (germline): Pathogenic. Pathogenic (1). ClinVar aggregate classification (somatic clinical impact): Tier II - Potential.

Submissions 35 to 49 of 59:

Institute for Genomic Medicine (IGM) Clinical Laboratory, Nationwide Children's Hospital
Classification: Pathogenic for Noonan syndrome 1; LEOPARD syndrome 1; Metachondromatosis. Last evaluated: 2018-12-10. Review status: criteria provided, single submitter. Criteria: ClinGen's RASopathy Expert Panel Consensus Methods for Variant Interpretation. Collection method: clinical testing. Allele origin: germline. Affected: yes. Not counted in ClinVar's aggregate classification.
Comment: [ACMG/AMP/ClinGen RASopathy: PS1, PS3, PS4, PP1_Strong, PM1, PP2, PP3] This alteration has an amino acid change previously established as pathogenic (regardless of nucleotide change) [PS1], is supported by well-established in vitro or in vivo functional studies to have a damaging effect on protein function or splicing [PS3], has a prevalence that is significantly increased compared with controls (RR/OR > 5; CI does not include 1.0) [PS4], has been shown to cosegregate with disease in multiple affected family members [PP1_Strong], is located in a mutational hotspot and/or critical and well-established functional domain [PM1], is a missense variant in a gene in which missense variants are a common mechanism of disease [PP2], is predicted to be damaging by multiple functional prediction tools [PP3].

CENTOGENE GmbH and LLC - Guiding Precision Medicine
Classification: Pathogenic for Noonan syndrome 1. Last evaluated: 2018-07-12. Review status: criteria provided, single submitter. Criteria: ACMG Guidelines, 2015. Collection method: clinical testing. Allele origin: germline. Affected: yes. Not counted in ClinVar's aggregate classification.

Athena Diagnostics
Classification: Pathogenic. Last evaluated: 2017-06-15. Review status: criteria provided, single submitter. Criteria: Athena Diagnostics Criteria. Collection method: clinical testing. Allele origin: germline. Not counted in ClinVar's aggregate classification.

Fulgent Genetics
Classification: Pathogenic for LEOPARD syndrome 1; Metachondromatosis; Noonan syndrome 1; Juvenile myelomonocytic leukemia. Last evaluated: 2017-05-18. Review status: criteria provided, single submitter. Criteria: ACMG Guidelines, 2015. Collection method: clinical testing. Allele origin: unknown. Not counted in ClinVar's aggregate classification.

St. Jude Molecular Pathology, St. Jude Children's Research Hospital
Classification: Pathogenic for B lymphoblastic leukemia lymphoma, no ICD-O subtype; Lymphoma. Last evaluated: 2017-04-26. Review status: criteria provided, single submitter. Criteria: ACMG Guidelines, 2015. Collection method: clinical testing. Allele origin: germline. Affected: yes. Not counted in ClinVar's aggregate classification.
Comment: This is a missense alteration in which an A is replaced by a G at coding nucleotide 188 and is predicted to change a Tyrosine to a Cysteine at amino acid codon 63. Classification criteria: PS1, PS3, PM1, PM2, PP3.

Laboratory for Molecular Medicine, Mass General Brigham Personalized Medicine
Classification: Pathogenic for Noonan syndrome. Last evaluated: 2017-04-20. Review status: criteria provided, single submitter. Criteria: LMM Criteria. Collection method: clinical testing. Allele origin: germline. Inheritance: Autosomal dominant inheritance. Observed: 52 variant alleles. Not counted in ClinVar's aggregate classification.
Comment: The p.Tyr63Cys variant in PTPN11 has been reported in >40 individuals with Noona n syndrome, occurred de novo in some sporadic cases and segregated with disease in numerous families (Tartaglia 2002, Kosaki 2002, Maheshwari 2002, Musante 2003 , Loh 2004, Kratz 2005, Takahashi 2006, Becker 2007, Jongmans 2011, Simsek-Kiper 2012, LMM data). In addition, this variant has been identified as a somatic var iant in one individual with chronic myelomonocytic leukemia (CMML; Loh 2004) and as a germline variant in two individuals with both clinical features of Noonan syndrome and a malignancy (precursor B-ALL and basal cell carcinoma; Jongmans 20 11). This variant has also been identified in 1/17248 East Asian chromosomes and 1/33576 Latino chromosomes by gnomAD. Moreov er, the p.Tyr63Cys variant has been classified as pathogenic on April 3, 2018 by the ClinGen-approved RASopathy Expert Panel (ClinVar SCV000616372.1). In summar y, this variant meets criteria to be classified as pathogenic for Noonan syndrom e in an autosomal dominant manner based upon presence in multiple affected indiv iduals, de novo occurrences and segregation studies. ACMG/AMP Criteria applied: PS4, PP1_Strong, PM6_Strong.

Undiagnosed Diseases Network, NIH
Classification: Pathogenic for Noonan syndrome 1. Last evaluated: 2017-03-28. Review status: criteria provided, single submitter. Criteria: ACMG Guidelines, 2015. Collection method: clinical testing. Allele origin: de novo. Inheritance: Autosomal dominant inheritance. Affected: yes. Observed: 1 variant allele, 1 heterozygote. Study: Undiagnosed Diseases Network (NIH), UDN. Not counted in ClinVar's aggregate classification.

Center for Human Genetics, Inc
Classification: Pathogenic for Noonan syndrome 1. Last evaluated: 2016-11-01. Review status: criteria provided, single submitter. Criteria: ACMG Guidelines, 2015. Collection method: clinical testing. Allele origin: germline. Affected: yes. Not counted in ClinVar's aggregate classification.

Women's Health and Genetics/Laboratory Corporation of America, LabCorp
Classification: Pathogenic for Noonan syndrome 3. Last evaluated: 2016-05-02. Review status: criteria provided, single submitter. Criteria: LabCorp Variant Classification Summary - May 2015. Collection method: clinical testing. Allele origin: germline. Not counted in ClinVar's aggregate classification.
Comment: Variant summary: The c.188A>G variant affects a conserved nucleotide, resulting in amino acid change from Tyr to Cys. 4/4 in-silico tools predict damaging outcome for this variant (SNPs&GO not captured due to low reliability index). This variant is found in 1/121890 control chromosomes at a frequency of 0.0000082, which does not exceed maximal expected frequency of a pathogenic allele (0.0000625). The variant has been reported in numerous affected individuals and families in the literature and has been shown to segregate with disease in affected families. The variant is considered a common pathogenic variant. In addition, multiple reputable clinical laboratory and database classified this variant as Pathogenic. Taken together, this variant was classified as Pathogenic.

Molecular Diagnostics Lab, Nemours Children's Health, Delaware
Classification: Pathogenic. Last evaluated: 2015-09-21. Review status: criteria provided, single submitter. Criteria: ACMG Guidelines, 2015. Collection method: clinical testing. Allele origin: unknown. Affected: yes. Observed: 2 variant alleles. Not counted in ClinVar's aggregate classification.

Eurofins Ntd Llc (ga)
Classification: Pathogenic. Last evaluated: 2013-03-01. Review status: criteria provided, single submitter. Criteria: EGL Classification Definitions 2015. Collection method: clinical testing. Allele origin: germline. Observed: 4 variant alleles, 4 heterozygotes. Not counted in ClinVar's aggregate classification.

Center for Genomics, Ann and Robert H. Lurie Children's Hospital of Chicago
Classification: Pathogenic for Noonan syndrome 1; LEOPARD syndrome 1; Metachondromatosis; Juvenile myelomonocytic leukemia. Review status: criteria provided, single submitter. Criteria: ACMG Guidelines, 2015. Collection method: clinical testing. Allele origin: germline. Not counted in ClinVar's aggregate classification.
Comment: This variant has been reported in the literature in at least 10 individuals with a clinical diagnosis or suspicion of Noonan syndrome, segregating with disease in more than 15 affected family members (Selected publications: Maheshwari 2002 PMID:12325025; Musante 2003 PMID:12634870; Jongmans 2011 PMID:21407260; Athota 2020 PMID:32164556). This variant is present in 0.005% (1/18394) of East Asian alleles in the Genome Aggregation Database. Please note, disease-causing variants may be present in control databases at low frequencies, reflective of the general population and/or variable expressivity. This variant is present in ClinVar, with many laboratories and the ClinGen RASopathy Variant Curation Expert Panel classifying it as pathogenic (Variation ID:13333). This variant is located at a residue directly involved in interactions between N-SH2 and PTPN domains (Gelb 2018 PMID:29493581). An in vitro functional study showed that this variant impacts protein structure, resulting in increased protein activity (Martinelli 2012 PMID:22711529). However, this study study may not accurately represent in vivo biological function. PTPN11 has a low rate of benign missense variation and pathogenic missense variation is common (Gelb 2018 PMID:29493581). Evolutionary conservation and computational predictive tools support that this variant may impact the protein. In summary, this variant is classified as pathogenic

Genetic Testing Center for Deafness, Department of Otolaryngology Head & Neck Surgery, Institute of Otolaryngology, Chinese PLA General Hospital
Classification: Pathogenic for Noonan syndrome 1. Review status: criteria provided, single submitter. Criteria: ClinGen HL ACMG Specifications v1. Collection method: case-control. Allele origin: de novo. Affected: yes. Observed: 1 variant allele. Not counted in ClinVar's aggregate classification.

Institute for Genomic Statistics and Bioinformatics, University Hospital Bonn
Classification: Pathogenic for Noonan syndrome 1. Review status: criteria provided, single submitter. Criteria: ACMG Guidelines, 2015. Collection method: clinical testing. Allele origin: unknown. Affected: yes. Observed: 1 variant allele. Not counted in ClinVar's aggregate classification.

Juno Genomics, Hangzhou Juno Genomics, Inc
Classification: Pathogenic for Noonan syndrome 1. Review status: criteria provided, single submitter. Criteria: ACMG Guidelines, 2015. Collection method: clinical testing. Allele origin: germline. Affected: yes. Not counted in ClinVar's aggregate classification.
Comment: Missense variant in a gene that has a low rate of benign missense variation and where missense variants are a common mechanism of disease.;Well-established in vitro or in vivo functional studies supportive of a damaging effect on the gene or gene product.;The prevalence of the variant in affected individuals is significantly increased compared to the prevalence in controls.;Co-segregation with disease in multiple affected family members in a gene definitively known to cause the disease.